The following is an entry in ClinVar:

ClinVar aggregate classification (germline): Uncertain significance (1 of 4 stars; one submission).

Conditions:
Hereditary cancer-predisposing syndrome. Also called: Hereditary neoplastic syndrome; Neoplastic Syndromes, Hereditary; Tumor predisposition; Hereditary Cancer Syndrome. Identifiers: Orphanet 140162, MedGen C0027672, MeSH D009386, MONDO:0015356.

Submission:

Labcorp Genetics (formerly Invitae), Labcorp
Classification: Uncertain significance for Hereditary cancer-predisposing syndrome. Last evaluated: 2022-02-09. Review status: criteria provided, single submitter. Criteria: Invitae Variant Classification Sherloc (09022015). Collection method: clinical testing. Allele origin: germline.
Comment: This sequence change replaces threonine, which is neutral and polar, with lysine, which is basic and polar, at codon 1010 of the RAD50 protein (p.Thr1010Lys). This variant is not present in population databases (gnomAD no frequency). This variant has not been reported in the literature in individuals affected with RAD50-related conditions. Algorithms developed to predict the effect of missense changes on protein structure and function (SIFT, PolyPhen-2, Align-GVGD) all suggest that this variant is likely to be tolerated. In summary, the available evidence is currently insufficient to determine the role of this variant in disease. Therefore, it has been classified as a Variant of Uncertain Significance.

NM_005732.4(RAD50):c.3029C>A (p.Thr1010Lys)

Gene: RAD50 (RAD50 double strand break repair protein; plus strand). Cytogenetic location: 5q31.1.
Variant type: single nucleotide variant.
Coding change: c.3029C>A on transcript NM_005732.4 (MANE Select); coding-DNA position 3029, C replaced by A.
Protein change: p.Thr1010Lys; replaces threonine 1010 with lysine.
Molecular consequence: missense variant.
Genome position (GRCh38, 1-based): chr5:132,609,389, C>A. VCF-style: chr5-132609389-C-A. GRCh37 (hg19) VCF-style: chr5-131945081-C-A.
Other names: short protein forms T1010K.
Identifiers: ClinVar variation 2095840 (VCV002095840.4), dbSNP rs1581004991, ClinGen allele CA360961089.